The following is an entry in ClinVar:

NM_024009.3(GJB3):c.*218C>A

Gene: GJB3 (gap junction protein beta 3; plus strand). Cytogenetic location: 1p34.3.
Variant type: single nucleotide variant.
Coding change: c.*218C>A on transcript NM_024009.3 (MANE Select); 218 bases downstream of the stop codon, C replaced by A.
Molecular consequence: 3 prime UTR variant.
Genome position (GRCh38, 1-based): chr1:34,785,793, C>A. VCF-style: chr1-34785793-C-A. GRCh37 (hg19) VCF-style: chr1-35251394-C-A.
Other names: c.*218C>A (NM_001005752.2).
Identifiers: ClinVar variation 297201 (VCV000297201.6), dbSNP rs78145978, ClinGen allele CA10611062.

ClinVar aggregate classification (germline): Benign. Review status: criteria provided, multiple submitters, no conflicts (2 of 4 stars). 2 submissions from 2 submitters: Benign (2). Last evaluated 2018-01-13.

Conditions:
Erythrokeratodermia variabilis et progressiva 1 (EKVP1). Also called: ERYTHROKERATODERMIA FIGURATA, CONGENITAL FAMILIAL, IN PLAQUES; ERYTHROKERATODERMIA VARIABILIS WITH ERYTHEMA GYRATUM REPENS; ERYTHROKERATODERMIA, PROGRESSIVE SYMMETRIC. Identifiers: Orphanet 317, MedGen C4551486, MONDO:0033010, OMIM 133200.

Allele frequency attached by ClinVar (database versions not stated): gnomAD 0.00481; TOPMed 0.00726; gnomAD exomes 0.00767; 1000 Genomes Project 30x 0.01655; 1000 Genomes Project 0.01757.

Submissions (2):

Illumina Laboratory Services, Illumina
Classification: Benign for Erythrokeratodermia variabilis et progressiva 1. Last evaluated: 2018-01-13. Review status: criteria provided, single submitter. Criteria: ICSL Variant Classification Criteria 13 December 2019. Collection method: clinical testing. Allele origin: germline.
Comment: This variant was observed in the ICSL laboratory as part of a predisposition screen in an ostensibly healthy population. It had not been previously curated by ICSL or reported in the Human Gene Mutation Database (HGMD: prior to June 1st, 2018), and was therefore a candidate for classification through an automated scoring system. Utilizing variant allele frequency, disease prevalence and penetrance estimates, and inheritance mode, an automated score was calculated to assess if this variant is too frequent to cause the disease. Based on the score and internal cut-off values, a variant classified as benign is not then subjected to further curation. The score for this variant resulted in a classification of benign for this disease.

Breakthrough Genomics
Classification: Benign. Review status: criteria provided, single submitter. Criteria: ACMG Guidelines, 2015. Collection method: not provided. Allele origin: germline. Inheritance: Autosomal dominant inheritance. Affected: yes.